The following is an entry in ClinVar:

NM_001204.7(BMPR2):c.1474C>G (p.Leu492Val)

Gene: BMPR2 (bone morphogenetic protein receptor type 2; plus strand). Cytogenetic location: 2q33.2.
Variant type: single nucleotide variant.
Coding change: c.1474C>G on transcript NM_001204.7 (MANE Select); coding-DNA position 1474, C replaced by G.
Protein change: p.Leu492Val; replaces leucine 492 with valine.
Molecular consequence: missense variant.
Genome position (GRCh38, 1-based): chr2:202,552,776, C>G. VCF-style: chr2-202552776-C-G. GRCh37 (hg19) VCF-style: chr2-203417499-C-G.
Other names: short protein forms L492V.
Identifiers: ClinVar variation 3992106 (VCV003992106.1).

ClinVar aggregate classification (germline): Uncertain significance (1 of 4 stars; one submission).

Conditions:
Inborn genetic diseases. Identifiers: MedGen C0950123, MeSH D030342.

Submission:

Ambry Genetics
Classification: Uncertain significance for Inborn genetic diseases. Last evaluated: 2025-04-08. Review status: criteria provided, single submitter. Criteria: Ambry Variant Classification Scheme 2023. Collection method: clinical testing. Allele origin: germline.
Comment: The p.L492V variant (also known as c.1474C>G), located in coding exon 11 of the BMPR2 gene, results from a C to G substitution at nucleotide position 1474. The leucine at codon 492 is replaced by valine, an amino acid with highly similar properties. This amino acid position is conserved. In addition, this alteration is predicted to be deleterious by in silico analysis. Based on the available evidence, the clinical significance of this variant remains unclear.